The following is an entry in ClinVar:

ClinVar aggregate classification (germline): Uncertain significance. Review status: criteria provided, multiple submitters, no conflicts (2 of 4 stars). 2 submissions from 2 submitters: Uncertain significance (2). Last evaluated 2025-03-14.

Conditions:
Hereditary cancer-predisposing syndrome. Also called: Tumor predisposition; Hereditary Cancer Syndrome; Hereditary neoplastic syndrome; Neoplastic Syndromes, Hereditary. Identifiers: Orphanet 140162, MedGen C0027672, MeSH D009386, MONDO:0015356.
Ataxia-telangiectasia syndrome (AT). Also called: Ataxia-telangiectasia, complementation group E; Ataxia-telangiectasia; Ataxia telangiectasia (A-T); Cerebello-oculocutaneous telangiectasia; Immunodeficiency with ataxia telangiectasia; LOUIS-BAR SYNDROME. Identifiers: Orphanet 100, MedGen C0004135, MONDO:0008840, OMIM 208900.

Allele frequency attached by ClinVar (database versions not stated): ExAC 0.00001.
gnomAD v4.1: 1 of 1,613,764 alleles (0.000062%); highest among the groups gnomAD compares: South Asian, 0.0011%; no homozygotes.

Submissions (2):

Ambry Genetics
Classification: Uncertain significance for Hereditary cancer-predisposing syndrome. Last evaluated: 2025-03-14. Review status: criteria provided, single submitter. Criteria: Ambry Variant Classification Scheme 2023. Collection method: clinical testing. Allele origin: germline.
Comment: The p.G255R variant (also known as c.763G>A), located in coding exon 6 of the ATM gene, results from a G to A substitution at nucleotide position 763. The glycine at codon 255 is replaced by arginine, an amino acid with dissimilar properties. This amino acid position is conserved. In addition, the in silico prediction for this alteration is inconclusive. Since supporting evidence is limited at this time, the clinical significance of this alteration remains unclear.

Labcorp Genetics (formerly Invitae), Labcorp
Classification: Uncertain significance for Ataxia-telangiectasia syndrome. Last evaluated: 2025-03-04. Review status: criteria provided, single submitter. Criteria: Invitae Variant Classification Sherloc (09022015). Collection method: clinical testing. Allele origin: germline.
Comment: This sequence change replaces glycine, which is neutral and non-polar, with arginine, which is basic and polar, at codon 255 of the ATM protein (p.Gly255Arg). This variant is present in population databases (rs770911662, gnomAD 0.003%). This variant has not been reported in the literature in individuals affected with ATM-related conditions. ClinVar contains an entry for this variant (Variation ID: 2066104). Invitae Evidence Modeling of protein sequence and biophysical properties (such as structural, functional, and spatial information, amino acid conservation, physicochemical variation, residue mobility, and thermodynamic stability) indicates that this missense variant is not expected to disrupt ATM protein function with a negative predictive value of 95%. In summary, the available evidence is currently insufficient to determine the role of this variant in disease. Therefore, it has been classified as a Variant of Uncertain Significance.

NM_000051.4(ATM):c.763G>A (p.Gly255Arg)

Gene: ATM (ATM serine/threonine kinase; plus strand). Cytogenetic location: 11q22.3.
Variant type: single nucleotide variant.
Coding change: c.763G>A on transcript NM_000051.4 (MANE Select); coding-DNA position 763, G replaced by A.
Protein change: p.Gly255Arg; replaces glycine 255 with arginine.
Molecular consequence: missense variant.
Genome position (GRCh38, 1-based): chr11:108,244,888, G>A. VCF-style: chr11-108244888-G-A. GRCh37 (hg19) VCF-style: chr11-108115615-G-A.
Other names: c.763G>A, p.Gly255Arg (NM_001351834.2); short protein forms G255R.
Identifiers: ClinVar variation 2066104 (VCV002066104.7), dbSNP rs770911662, ClinGen allele CA6264679.